The following is an entry in ClinVar:

ClinVar aggregate classification (germline): Uncertain significance (1 of 4 stars; one submission).

Conditions:
46,XY sex reversal 1. Also called: SRY-related 46,XY complete gonadal dysgenesis; 46,XY SEX REVERSAL, SRY-RELATED. Identifiers: Orphanet 242, MedGen C2748896, MONDO:0020712, OMIM 400044.

Allele frequency attached by ClinVar (database versions not stated): gnomAD exomes 0.00001.

Submission:

Labcorp Genetics (formerly Invitae), Labcorp
Classification: Uncertain significance for 46,XY sex reversal 1. Last evaluated: 2020-08-14. Review status: criteria provided, single submitter. Criteria: Invitae Variant Classification Sherloc (09022015). Collection method: clinical testing. Allele origin: germline.
Comment: This sequence change replaces tryptophan with cysteine at codon 107 of the SRY protein (p.Trp107Cys). The tryptophan residue is weakly conserved and there is a large physicochemical difference between tryptophan and cysteine. This variant is not present in population databases (ExAC no frequency). This variant has been observed in individual(s) with clinical features of complete gonadal dysgenesis (Invitae). Algorithms developed to predict the effect of missense changes on protein structure and function are either unavailable or do not agree on the potential impact of this missense change (SIFT: "Tolerated"; PolyPhen-2: "Probably Damaging"; Align-GVGD: "Class C0"). In summary, the available evidence is currently insufficient to determine the role of this variant in disease. Therefore, it has been classified as a Variant of Uncertain Significance.

NM_003140.3(SRY):c.321G>T (p.Trp107Cys)

Gene: SRY (sex determining region Y; minus strand). Cytogenetic location: Yp11.2.
Variant type: single nucleotide variant.
Coding change: c.321G>T on transcript NM_003140.3 (MANE Select); coding-DNA position 321, G replaced by T.
Protein change: p.Trp107Cys; replaces tryptophan 107 with cysteine.
Molecular consequence: missense variant.
Genome position (GRCh38, 1-based): chrY:2,787,283, C>A on the plus strand (G>T on the coding strand, the complement: SRY is on the minus strand). VCF-style: chrY-2787283-C-A. GRCh37 (hg19) VCF-style: chrY-2655324-C-A.
Other names: short protein forms W107C.
Identifiers: ClinVar variation 1045315 (VCV001045315.8), dbSNP rs2051122910, ClinGen allele CA414941287.